The following is an entry in ClinVar:

NM_001330588.2(TPP2):c.87C>G (p.Arg29=)

Gene: TPP2 (tripeptidyl peptidase 2; plus strand). Cytogenetic location: 13q33.1.
Variant type: single nucleotide variant.
Coding change: c.87C>G on transcript NM_001330588.2 (MANE Select); coding-DNA position 87, C replaced by G.
Protein change: p.Arg29=; no amino-acid change (arginine 29 retained).
Molecular consequence: synonymous variant. On other transcripts: non-coding transcript variant (1).
Genome position (GRCh38, 1-based): chr13:102,597,125, C>G. VCF-style: chr13-102597125-C-G. GRCh37 (hg19) VCF-style: chr13-103249475-C-G.
Other names: c.87C>G, p.Arg29= (LRG_1341t1, NM_001367947.1, NM_003291.4).
Identifiers: ClinVar variation 576441 (VCV000576441.8), dbSNP rs1431652065, ClinGen allele CA484858921.

ClinVar aggregate classification (germline): Uncertain significance (1 of 4 stars; one submission).

Conditions:
Evans syndrome, immunodeficiency, and premature immunosenescence associated with tripeptidyl-peptidase II deficiency. Identifiers: MedGen CN231723. Disease mechanism: loss of function.

Allele frequency attached by ClinVar (database versions not stated): gnomAD exomes below 0.00001; TOPMed 0.00001.

Submission:

Labcorp Genetics (formerly Invitae), Labcorp
Classification: Uncertain significance for Evans syndrome, immunodeficiency, and premature immunosenescence associated with tripeptidyl-peptidase II deficiency. Last evaluated: 2018-06-20. Review status: criteria provided, single submitter. Criteria: Invitae Variant Classification Sherloc (09022015). Collection method: clinical testing. Allele origin: germline.
Comment: This sequence change affects codon 29 of the TPP2 mRNA. It is a 'silent' change, meaning that it does not change the encoded amino acid sequence of the TPP2 protein. This variant is not present in population databases (ExAC no frequency). This variant has not been reported in the literature in individuals with TPP2-related disease. Algorithms developed to predict the effect of sequence changes on RNA splicing suggest that this variant may create or strengthen a splice site, but this prediction has not been confirmed by published transcriptional studies. In summary, the available evidence is currently insufficient to determine the role of this variant in disease. Therefore, it has been classified as a Variant of Uncertain Significance.